The following is an entry in ClinVar:

ClinVar aggregate classification (germline): Uncertain significance (1 of 4 stars; one submission).

Conditions:
Hereditary cancer-predisposing syndrome. Also called: Hereditary Cancer Syndrome; Hereditary neoplastic syndrome; Neoplastic Syndromes, Hereditary; Tumor predisposition. Identifiers: Orphanet 140162, MedGen C0027672, MeSH D009386, MONDO:0015356.

Submission:

Ambry Genetics
Classification: Uncertain significance for Hereditary cancer-predisposing syndrome. Last evaluated: 2021-11-25. Review status: criteria provided, single submitter. Criteria: Ambry Variant Classification Scheme 2023. Collection method: clinical testing. Allele origin: germline.
Comment: The p.L402R variant (also known as c.1205T>G), located in coding exon 4 of the PALB2 gene, results from a T to G substitution at nucleotide position 1205. The leucine at codon 402 is replaced by arginine, an amino acid with dissimilar properties. This amino acid position is conserved. In addition, this alteration is predicted to be deleterious by in silico analysis. Since supporting evidence is limited at this time, the clinical significance of this alteration remains unclear.

NM_024675.4(PALB2):c.1205T>G (p.Leu402Arg)

Gene: PALB2 (partner and localizer of BRCA2; minus strand). Cytogenetic location: 16p12.2.
Variant type: single nucleotide variant.
Coding change: c.1205T>G on transcript NM_024675.4 (MANE Select); coding-DNA position 1205, T replaced by G.
Protein change: p.Leu402Arg; replaces leucine 402 with arginine.
Molecular consequence: missense variant.
Genome position (GRCh38, 1-based): chr16:23,635,341, A>C on the plus strand (T>G on the coding strand, the complement: PALB2 is on the minus strand). VCF-style: chr16-23635341-A-C. GRCh37 (hg19) VCF-style: chr16-23646662-A-C.
Other names: c.1145T>G, p.Leu382Arg (NM_001407296.1); c.1205T>G, p.Leu402Arg (NM_001407297.1, NM_001407298.1, NM_001407299.1 and 3 more transcripts); c.320T>G, p.Leu107Arg (NM_001407304.1, NM_001407305.1, NM_001407306.1 and 5 more transcripts); short protein forms L107R, L402R, L382R.
Identifiers: ClinVar variation 1748732 (VCV001748732.2), dbSNP rs2142422785, ClinGen allele CA395133199.